The following is an entry in ClinVar:

NM_018077.3(RBM28):c.87G>A (p.Pro29=)

Gene: RBM28 (RNA binding motif protein 28; minus strand). Cytogenetic location: 7q32.1.
Variant type: single nucleotide variant.
Coding change: c.87G>A on transcript NM_018077.3 (MANE Select); coding-DNA position 87, G replaced by A.
Protein change: p.Pro29=; no amino-acid change (proline 29 retained).
Molecular consequence: synonymous variant.
Genome position (GRCh38, 1-based): chr7:128,343,707, C>T on the plus strand (G>A on the coding strand, the complement: RBM28 is on the minus strand). VCF-style: chr7-128343707-C-T. GRCh37 (hg19) VCF-style: chr7-127983761-C-T.
Other names: c.87G>A, p.Pro29= (NM_001166135.2).
Identifiers: ClinVar variation 772900 (VCV000772900.29), dbSNP rs144136436, ClinGen allele CA4470473.

ClinVar aggregate classification (germline): Benign/Likely benign. Review status: criteria provided, multiple submitters, no conflicts (2 of 4 stars). 3 submissions from 3 submitters: Benign (2); Likely benign (1). Last evaluated 2026-04-01.

Allele frequency attached by ClinVar (database versions not stated): 1000 Genomes Project 0.00379; 1000 Genomes Project 30x 0.00390; ExAC 0.00618; gnomAD exomes 0.00627 and 0.00812; ESP Exome Variant Server 0.00661; gnomAD 0.00661 and 0.00726; TOPMed 0.00765.

Submissions (3):

CeGaT Center for Human Genetics Tuebingen
Classification: Likely benign. Last evaluated: 2026-04-01. Review status: criteria provided, single submitter. Criteria: CeGaT Center For Human Genetics Tuebingen Variant Classification Criteria Version 2. Collection method: clinical testing. Allele origin: germline. Affected: yes. Observed: 11 variant alleles.
Comment: RBM28: BP4, BP7, BS2

Labcorp Genetics (formerly Invitae), Labcorp
Classification: Benign. Last evaluated: 2019-12-31. Review status: criteria provided, single submitter. Criteria: Invitae Variant Classification Sherloc (09022015). Collection method: clinical testing. Allele origin: germline.

Breakthrough Genomics
Classification: Benign. Review status: criteria provided, single submitter. Criteria: ACMG Guidelines, 2015. Collection method: not provided. Allele origin: germline. Inheritance: Autosomal recessive inheritance. Affected: yes.